The following is an entry in ClinVar:

NM_001370259.2(MEN1):c.1823A>T (p.Lys608Ile)

Gene: MEN1 (menin 1; minus strand). Cytogenetic location: 11q13.1.
Variant type: single nucleotide variant.
Coding change: c.1823A>T on transcript NM_001370259.2 (MANE Select); coding-DNA position 1823, A replaced by T.
Protein change: p.Lys608Ile; replaces lysine 608 with isoleucine.
Molecular consequence: missense variant. On other transcripts: non-coding transcript variant (4).
Genome position (GRCh38, 1-based): chr11:64,804,344, T>A on the plus strand (A>T on the coding strand, the complement: MEN1 is on the minus strand). VCF-style: chr11-64804344-T-A. GRCh37 (hg19) VCF-style: chr11-64571816-T-A.
Other names: c.1823A>T, p.Lys608Ile (NM_001370260.2, NM_001370261.2, NM_001407146.1 and 2 more transcripts); c.1718A>T, p.Lys573Ile (NM_001370262.2, NM_001370263.2, NM_001407148.1 and 1 more transcripts); c.1949A>T, p.Lys650Ile (NM_001407142.1, NM_001407143.1, NM_001407144.1 and 1 more transcripts); c.1838A>T, p.Lys613Ile (NM_001407145.1, NM_000244.4, NM_130800.3 and 4 more transcripts); c.1964A>T, p.Lys655Ile (NM_001407150.1); c.1844A>T, p.Lys615Ile (NM_001407151.1); c.1658A>T, p.Lys553Ile (NM_001407152.1); short protein forms K553I, K573I, K608I, K613I, K615I, K650I, K655I.
Identifiers: ClinVar variation 4800411 (VCV004800411.1).

ClinVar aggregate classification (germline): Uncertain significance (1 of 4 stars; one submission).

Conditions:
Multiple endocrine neoplasia, type 1 (MEN1). Also called: MEA I; MEN I; WERMER SYNDROME; Endocrine adenomatosis multiple; MEN 1. Identifiers: Orphanet 652, MedGen C0025267, MeSH D018761, MONDO:0007540, OMIM 131100.

Submission:

Labcorp Genetics (formerly Invitae), Labcorp
Classification: Uncertain significance for Multiple endocrine neoplasia, type 1. Last evaluated: 2025-05-01. Review status: criteria provided, single submitter. Criteria: Invitae Variant Classification Sherloc (09022015). Collection method: clinical testing. Allele origin: germline.
Comment: This sequence change replaces lysine, which is basic and polar, with isoleucine, which is neutral and non-polar, at codon 608 of the MEN1 protein (p.Lys608Ile). This variant is not present in population databases (gnomAD no frequency). This variant has not been reported in the literature in individuals affected with MEN1-related conditions. Invitae Evidence Modeling of protein sequence and biophysical properties (such as structural, functional, and spatial information, amino acid conservation, physicochemical variation, residue mobility, and thermodynamic stability) has been performed for this missense variant. However, the output from this modeling did not meet the statistical confidence thresholds required to predict the impact of this variant on MEN1 protein function. In summary, the available evidence is currently insufficient to determine the role of this variant in disease. Therefore, it has been classified as a Variant of Uncertain Significance.